The following is an entry in ClinVar:

ClinVar aggregate classification (germline): Uncertain significance. Review status: criteria provided, multiple submitters, no conflicts (2 of 4 stars). 4 submissions from 4 submitters: Uncertain significance (4). Last evaluated 2022-12-28.

Conditions:
Leber congenital amaurosis 6 (LCA6). Identifiers: Orphanet 65, MedGen C1854260, MONDO:0013446, OMIM 613826.
Cone-rod dystrophy 13 (CORD13). Identifiers: Orphanet 1872, MedGen C2750720, MONDO:0011987, OMIM 608194.

Allele frequency attached by ClinVar (database versions not stated): TOPMed 0.00003; ExAC 0.00005; gnomAD 0.00005 and 0.00007; gnomAD exomes 0.00006 and 0.00007.
gnomAD v4.1: 99 of 1,614,000 alleles (0.0061%); highest among the groups gnomAD compares: Middle Eastern, 0.082%; 5 homozygotes.

Submissions (4):

Blueprint Genetics
Classification: Uncertain significance. Last evaluated: 2022-12-28. Review status: criteria provided, single submitter. Criteria: ACMG Guidelines, 2015. Collection method: clinical testing. Allele origin: germline.

Labcorp Genetics (formerly Invitae), Labcorp
Classification: Uncertain significance for Leber congenital amaurosis 6; Cone-rod dystrophy 13. Last evaluated: 2022-06-19. Review status: criteria provided, single submitter. Criteria: Invitae Variant Classification Sherloc (09022015). Collection method: clinical testing. Allele origin: germline.
Comment: This sequence change replaces isoleucine, which is neutral and non-polar, with valine, which is neutral and non-polar, at codon 838 of the RPGRIP1 protein (p.Ile838Val). This variant is present in population databases (rs772480252, gnomAD 0.04%). This missense change has been observed in individual(s) with glaucoma (PMID: 21224891). ClinVar contains an entry for this variant (Variation ID: 837476). Algorithms developed to predict the effect of missense changes on protein structure and function output the following: SIFT: "Tolerated"; PolyPhen-2: "Benign"; Align-GVGD: "Class C0". The valine amino acid residue is found in multiple mammalian species, which suggests that this missense change does not adversely affect protein function. Experimental studies have shown that this missense change affects RPGRIP1 function (PMID: 21224891). In summary, the available evidence is currently insufficient to determine the role of this variant in disease. Therefore, it has been classified as a Variant of Uncertain Significance.

Women's Health and Genetics/Laboratory Corporation of America, LabCorp
Classification: Uncertain significance. Last evaluated: 2022-03-07. Review status: criteria provided, single submitter. Criteria: LabCorp Variant Classification Summary - May 2015. Collection method: clinical testing. Allele origin: germline.
Comment: Variant summary: RPGRIP1 c.2512A>G (p.Ile838Val) results in a conservative amino acid change located in the C2 domain (IPR000008) of the encoded protein sequence. Three of five in-silico tools predict a benign effect of the variant on protein function. The variant allele was found at a frequency of 7.2e-05 in 249240 control chromosomes (gnomAD). This frequency is not higher than expected for a pathogenic variant in RPGRIP1 causing Leber Congenital Amaurosis (7.2e-05 vs 0.0011), allowing no conclusion about variant significance. c.2512A>G has been reported in the literature in individuals affected with glaucoma (Fernandez-Martnez_2011). This report does not provide unequivocal conclusions about association of the variant with Leber Congenital Amaurosis. Fernandez-Martnez_2011 demostrated that this variant reduced interaction of the variant protein with nephrocystin (NPHP4). One clinical diagnostic laboratory has submitted clinical-significance assessments for this variant to ClinVar after 2014 and classified the variant as uncertain significance. Based on the evidence outlined above, the variant was classified as uncertain significance.

Department of Pathology and Laboratory Medicine, Sinai Health System
Classification: Uncertain significance for Cone-rod dystrophy 13; Leber congenital amaurosis 6. Last evaluated: 2021-07-30. Review status: criteria provided, single submitter. Criteria: ACMG Guidelines, 2015. Collection method: research. Allele origin: germline.

Literature cited by the submitters: PubMed 21224891 (cited by Labcorp Genetics (formerly Invitae), Labcorp and Women's Health and Genetics/Laboratory Corporation of America, LabCorp).

NM_020366.4(RPGRIP1):c.2512A>G (p.Ile838Val)

Gene: RPGRIP1 (RPGR interacting protein 1; plus strand). Cytogenetic location: 14q11.2.
Variant type: single nucleotide variant.
Coding change: c.2512A>G on transcript NM_020366.4 (MANE Select); coding-DNA position 2512, A replaced by G.
Protein change: p.Ile838Val; replaces isoleucine 838 with valine.
Molecular consequence: missense variant. On other transcripts: intron variant (4).
Genome position (GRCh38, 1-based): chr14:21,325,975, A>G. VCF-style: chr14-21325975-A-G. GRCh37 (hg19) VCF-style: chr14-21794134-A-G.
Other names: c.1438A>G, p.Ile480Val (NM_001377948.1); c.796+1250A>G (NM_001377949.1); c.689-1648A>G (NM_001377523.1, NM_001377950.1); c.191-1648A>G (NM_001377951.1); short protein forms I480V, I838V.
Identifiers: ClinVar variation 837476 (VCV000837476.10), dbSNP rs772480252, ClinGen allele CA7089283.